The following is an entry in ClinVar:

ClinVar aggregate classification (germline): Likely benign. Review status: criteria provided, multiple submitters, no conflicts (2 of 4 stars). 3 submissions from 3 submitters: Likely benign (3). Last evaluated 2026-01-30.

Conditions:
Congenital contractural arachnodactyly (CCA). Also called: BEALS SYNDROME; Beals-Hecht syndrome; Arthrogryposis, distal, type 9. Identifiers: Orphanet 115, MedGen C0220668, MONDO:0007363, OMIM 121050.

Allele frequency attached by ClinVar (database versions not stated): gnomAD 0.00001; gnomAD exomes 0.00001 and 0.00002; TOPMed 0.00002; ExAC 0.00003.
gnomAD v4.1: 21 of 1,613,848 alleles (0.0013%); highest among the groups gnomAD compares: Non-Finnish European, 0.0017%; no homozygotes.

Submissions (3):

Labcorp Genetics (formerly Invitae), Labcorp
Classification: Likely benign for Congenital contractural arachnodactyly. Last evaluated: 2026-01-30. Review status: criteria provided, single submitter. Criteria: Invitae Variant Classification Sherloc (09022015). Collection method: clinical testing. Allele origin: germline.

Blueprint Genetics
Classification: Likely benign. Last evaluated: 2024-05-02. Review status: criteria provided, single submitter. Criteria: ACMG Guidelines, 2015. Collection method: clinical testing. Allele origin: germline.

GeneDx
Classification: Likely benign. Last evaluated: 2018-05-24. Review status: criteria provided, single submitter. Criteria: GeneDx Variant Classification (06012015). Collection method: clinical testing. Allele origin: germline. Affected: yes.
Comment: This variant is considered likely benign or benign based on one or more of the following criteria: it is a conservative change, it occurs at a poorly conserved position in the protein, it is predicted to be benign by multiple in silico algorithms, and/or has population frequency not consistent with disease.

NM_001999.4(FBN2):c.6445+11T>C

Gene: FBN2 (fibrillin 2; minus strand). Cytogenetic location: 5q23.3.
Variant type: single nucleotide variant.
Coding change: c.6445+11T>C on transcript NM_001999.4 (MANE Select); 11 bases into the intron after coding-DNA position 6445, T replaced by C.
Molecular consequence: intron variant.
Genome position (GRCh38, 1-based): chr5:128,290,721, A>G on the plus strand (T>C on the coding strand, the complement: FBN2 is on the minus strand). VCF-style: chr5-128290721-A-G. GRCh37 (hg19) VCF-style: chr5-127626413-A-G.
Identifiers: ClinVar variation 668681 (VCV000668681.10), dbSNP rs766726816, ClinGen allele CA3394418.